The following is an entry in ClinVar:

ClinVar aggregate classification (germline): Likely benign. Review status: criteria provided, multiple submitters, no conflicts (2 of 4 stars). 3 submissions from 3 submitters: Likely benign (3). Last evaluated 2025-11-11.

Conditions:
HK1-related disorder. Also called: HK1-related disorders; HK1-related condition.

Allele frequency attached by ClinVar (database versions not stated): gnomAD 0.00011 and 0.00015; TOPMed 0.00011; 1000 Genomes Project 30x 0.00031; gnomAD exomes 0.00033 and 0.00037; 1000 Genomes Project 0.00040; ExAC 0.00041; ESP Exome Variant Server 0.00046.
gnomAD v4.1: 557 of 1,614,244 alleles (0.035%); highest among the groups gnomAD compares: South Asian, 0.21%; 2 homozygotes.

Submissions (3):

Labcorp Genetics (formerly Invitae), Labcorp
Classification: Likely benign. Last evaluated: 2025-11-11. Review status: criteria provided, single submitter. Criteria: Invitae Variant Classification Sherloc (09022015). Collection method: clinical testing. Allele origin: germline.

PreventionGenetics, part of Exact Sciences
Classification: Likely benign for HK1-related condition. Last evaluated: 2025-03-26. Review status: criteria provided, single submitter. Criteria: ACMG Guidelines, 2015. Collection method: clinical testing. Allele origin: germline.
Comment: This variant is classified as likely benign based on ACMG/AMP sequence variant interpretation guidelines (Richards et al. 2015 PMID: 25741868, with internal and published modifications).

Blueprint Genetics
Classification: Likely benign. Last evaluated: 2024-10-30. Review status: criteria provided, single submitter. Criteria: ACMG Guidelines, 2015. Collection method: clinical testing. Allele origin: germline.

NM_000188.3(HK1):c.1105G>A (p.Val369Ile)

Gene: HK1 (hexokinase 1; plus strand). Cytogenetic location: 10q22.1.
Variant type: single nucleotide variant.
Coding change: c.1105G>A on transcript NM_000188.3 (MANE Select); coding-DNA position 1105, G replaced by A.
Protein change: p.Val369Ile; replaces valine 369 with isoleucine.
Molecular consequence: missense variant.
Genome position (GRCh38, 1-based): chr10:69,379,935, G>A. VCF-style: chr10-69379935-G-A. GRCh37 (hg19) VCF-style: chr10-71139691-G-A.
Other names: c.1117G>A, p.Val373Ile (NM_001322364.2, NM_001358263.1, NM_033497.3 and 1 more transcripts); c.1210G>A, p.Val404Ile (NM_001322365.2); c.1021G>A, p.Val341Ile (NM_001322366.1); c.1009G>A, p.Val337Ile (NM_001322367.1); c.1102G>A, p.Val368Ile (NM_033496.3); c.1069G>A, p.Val357Ile (NM_033500.2); short protein forms V404I, V337I, V341I, V357I, V369I, V373I, V368I.
Identifiers: ClinVar variation 942560 (VCV000942560.12), dbSNP rs143502069, ClinGen allele CA5532510.